The following is an entry in ClinVar:

NM_013275.6(ANKRD11):c.3632_3633del (p.Lys1211fs)

Gene: ANKRD11 (ankyrin repeat domain 11; minus strand). Cytogenetic location: 16q24.3.
Variant type: Deletion.
Coding change: c.3632_3633del on transcript NM_013275.6 (MANE Select); coding-DNA positions 3632 to 3633, 2 bases deleted (AA; older notation c.3632_3633delAA).
Protein change: p.Lys1211fs; shifts the reading frame from lysine 1211.
Molecular consequence: frameshift variant.
Genome position (GRCh38, 1-based): chr16:89,282,909-89,282,910, TT deleted on the plus strand (AA on the coding strand, the reverse complement: ANKRD11 is on the minus strand); deleting any 2 consecutive bases within chr16:89,282,909-89,282,911 gives the same sequence; the c. name uses the placement nearest the transcript's 3' end. VCF-style (leftmost placement, unchanged base first): chr16-89282908-CTT-C. GRCh37 (hg19) VCF-style: chr16-89349316-CTT-C.
Other names: c.3632_3633del, p.Lys1211fs (NM_001256182.2, NM_001256183.2); c.3632_3633delAA (NM_013275.5); short protein forms K1211fs.
Identifiers: ClinVar variation 434198 (VCV000434198.9), dbSNP rs1555528400, ClinGen allele CA645373065.

ClinVar aggregate classification (germline): Pathogenic. Review status: criteria provided, multiple submitters, no conflicts (2 of 4 stars). 2 submissions from 2 submitters: Pathogenic (2). Last evaluated 2022-06-24.

Conditions:
KBG syndrome (KBGS). Also called: ANKRD11-Related KBG Syndrome. Identifiers: Orphanet 2332, MedGen C0220687, MONDO:0007846, OMIM 148050.

Submissions (2):

Victorian Clinical Genetics Services, Murdoch Childrens Research Institute
Classification: Pathogenic for KBG syndrome. Last evaluated: 2022-06-24. Review status: criteria provided, single submitter. Criteria: ACMG Guidelines, 2015. Collection method: clinical testing. Allele origin: germline. Inheritance: Autosomal dominant inheritance. Affected: yes.
Comment: Based on the classification scheme VCGS_Germline_v1.3.4, this variant is classified as Pathogenic. Following criteria are met: 0102 - Loss of function is a known mechanism of disease in this gene and is associated with KBG syndrome (MIM#148050). (I) 0107 - This gene is associated with autosomal dominant disease. (I) 0115 - Variants in this gene are known to have variable expressivity. Intra-familial variability has been reported (PMID: 29258554). (I) 0201 - Variant is predicted to cause nonsense-mediated decay (NMD) and loss of protein (premature termination codon is located at least 54 nucleotides upstream of the final exon-exon junction). (SP) 0251 - This variant is heterozygous. (I) 0301 - Variant is absent from gnomAD (both v2 and v3). (SP) 0701 - Other NMD-predicted variants comparable to the one identified in this case have very strong previous evidence for pathogenicity (ClinVar). (SP) 0803 - This variant has limited previous evidence of pathogenicity in an unrelated individual. This variant has been reported once as pathogenic (ClinVar). (SP) 0905 - No published segregation evidence has been identified for this variant. (I) 1007 - No published functional evidence has been identified for this variant. (SP) Legend: (SP) - Supporting pathogenic, (I) - Information, (SB) - Supporting benign

Genetic Services Laboratory, University of Chicago
Classification: Pathogenic for KBG syndrome. Last evaluated: 2016-02-16. Review status: criteria provided, single submitter. Criteria: ACMG Guidelines, 2015. Collection method: clinical testing. Allele origin: germline. Affected: yes.

Literature cited by the submitters: PubMed 29258554 (cited by Victorian Clinical Genetics Services, Murdoch Childrens Research Institute).